The following is an entry in ClinVar:

ClinVar aggregate classification (germline): Likely benign (1 of 4 stars; one submission).

Allele frequency attached by ClinVar (database versions not stated): TOPMed 0.00002; gnomAD 0.00003; 1000 Genomes Project 0.00020; 1000 Genomes Project 30x 0.00016.
gnomAD v4.1: 4 of 152,298 alleles (0.0026%); highest among the groups gnomAD compares: African/African-American, 0.0048%; no homozygotes.

Submission:

CeGaT Center for Human Genetics Tuebingen
Classification: Likely benign. Last evaluated: 2022-09-01. Review status: criteria provided, single submitter. Criteria: CeGaT Center For Human Genetics Tuebingen Variant Classification Criteria Version 2. Collection method: clinical testing. Allele origin: germline. Affected: yes. Observed: 1 variant allele.
Comment: BTD: BP4, BP7

NM_001370752.1(BTD):c.1015+23142G>A

Genes: ANKRD28 (ankyrin repeat domain 28; minus strand), BTD (biotinidase; plus strand). Cytogenetic location: 3p25.1.
Variant type: single nucleotide variant.
Coding change: c.1015+23142G>A on transcript NM_001370752.1; 23142 bases into the intron after coding-DNA position 1015, G replaced by A.
Molecular consequence: intron variant. On other transcripts: synonymous variant (1), 3 prime UTR variant (10), non-coding transcript variant (2).
Genome position (GRCh38, 1-based): chr3:15,668,073, G>A. VCF-style: chr3-15668073-G-A. GRCh37 (hg19) VCF-style: chr3-15709580-G-A.
Other names: c.444G>A, p.Pro148= (NM_001407380.1); c.1015+23142G>A (NM_001407379.1); c.399+26016G>A (NM_001370753.1); c.400-20238G>A (NM_001407400.1); c.400-3537G>A (NM_001407401.1); c.*2197C>T (NM_001195098.1, NM_001195099.2, NM_001349277.2 and 7 more transcripts).
Identifiers: ClinVar variation 2653603 (VCV002653603.22), dbSNP rs539530662, ClinGen allele CA70641465.
Genomic context (GRCh38, chr3:15,668,073, plus strand): 5'-CTTCCAACATTCTCAGGGTTCTCTTGGAGGACAGACCCAGGCCCAAAGACAGAAGTTACC[G>A]GGAGGGAGGCTTCAACTCCATCTAAGGAAGACCTTTCTAACAGTTAGAGCTGCTCAACAA-3'